The following is an entry in ClinVar:

ClinVar aggregate classification (germline): Uncertain significance (1 of 4 stars; one submission).

gnomAD v4.1: 2 of 765,304 alleles (0.00026%); highest among the groups gnomAD compares: African/African-American, 0.0034%; no homozygotes.

Submission:

Labcorp Genetics (formerly Invitae), Labcorp
Classification: Uncertain significance. Last evaluated: 2022-04-08. Review status: criteria provided, single submitter. Criteria: Invitae Variant Classification Sherloc (09022015). Collection method: clinical testing. Allele origin: germline.
Comment: In summary, the available evidence is currently insufficient to determine the role of this variant in disease. Therefore, it has been classified as a Variant of Uncertain Significance. Experimental studies and prediction algorithms are not available or were not evaluated, and the functional significance of this variant is currently unknown. This variant has not been reported in the literature in individuals affected with SNORD118-related conditions. This variant is present in population databases (no rsID available, gnomAD 0.007%). This variant occurs in the SNORD118 gene, which encodes an RNA molecule that does not result in a protein product.

NR_033294.2(SNORD118):n.84T>G

Genes: SNORD118 (small nucleolar RNA, C/D box 118; minus strand), TMEM107 (transmembrane protein 107; minus strand). Cytogenetic location: 17p13.1.
Variant type: single nucleotide variant.
Molecular consequence: non-coding transcript variant (on NR_033294.2). On other transcripts: 3 prime UTR variant (5).
Genome position: GRCh38 VCF-style: chr17-8173505-A-C. GRCh37 (hg19) VCF-style: chr17-8076823-A-C.
Other names: c.*698T>G (NM_001351278.2, NM_001351279.2, NM_001351280.2 and 2 more transcripts).
Identifiers: ClinVar variation 2053341 (VCV002053341.4), dbSNP rs1052538151, ClinGen allele CA497957045.